The following is an entry in ClinVar:

NM_000070.3(CAPN3):c.193del (p.His65fs)

Gene: CAPN3 (calpain 3; plus strand). Cytogenetic location: 15q15.1.
Variant type: Deletion.
Coding change: c.193del on transcript NM_000070.3 (MANE Select); coding-DNA position 193, one base deleted (C; older notation c.193delC).
Protein change: p.His65fs; shifts the reading frame from histidine 65.
Molecular consequence: frameshift variant.
Genome position (GRCh38, 1-based): chr15:42,359,998, C deleted. VCF-style (leftmost placement, unchanged base first): chr15-42359997-TC-T. GRCh37 (hg19) VCF-style: chr15-42652195-TC-T.
Other names: c.193del, p.His65fs (NM_024344.2, NM_173087.2); short protein forms H65fs.
Identifiers: ClinVar variation 1370170 (VCV001370170.6), dbSNP rs2141102601, ClinGen allele CA2573150742.

ClinVar aggregate classification (germline): Pathogenic (1 of 4 stars; one submission).

Conditions:
Autosomal recessive limb-girdle muscular dystrophy type 2A (LGMDR1). Also called: Calpainopathy; LEYDEN-MOEBIUS MUSCULAR DYSTROPHY; MUSCULAR DYSTROPHY, PELVOFEMORAL; Limb-girdle muscular dystrophy, type 2A; Muscular dystrophy, limb-girdle, type 2A, Amish. Identifiers: Orphanet 267, MedGen C1869123, MONDO:0009675, OMIM 253600. Disease mechanism: loss of function.

Submission:

Labcorp Genetics (formerly Invitae), Labcorp
Classification: Pathogenic for Autosomal recessive limb-girdle muscular dystrophy type 2A. Last evaluated: 2021-04-14. Review status: criteria provided, single submitter. Criteria: Invitae Variant Classification Sherloc (09022015). Collection method: clinical testing. Allele origin: germline.
Comment: For these reasons, this variant has been classified as Pathogenic. This variant has not been reported in the literature in individuals with CAPN3-related conditions. This variant is not present in population databases (ExAC no frequency). This sequence change creates a premature translational stop signal (p.His65Thrfs*5) in the CAPN3 gene. It is expected to result in an absent or disrupted protein product. Loss-of-function variants in CAPN3 are known to be pathogenic (PMID: 10330340, 15689361).

Literature cited by the submitters: PubMed 10330340; PubMed 15689361.